The following is an entry in ClinVar:

NM_130837.3(OPA1):c.832del (p.Leu278fs)

Gene: OPA1 (OPA1 mitochondrial dynamin like GTPase; plus strand). Cytogenetic location: 3q29.
Variant type: Deletion.
Coding change: c.832del on transcript NM_130837.3 (MANE Select); coding-DNA position 832, one base deleted (C; older notation c.832delC).
Protein change: p.Leu278fs; shifts the reading frame from leucine 278.
Molecular consequence: frameshift variant.
Genome position (GRCh38, 1-based): chr3:193,631,654, C deleted. VCF-style (leftmost placement, unchanged base first): chr3-193631653-TC-T. GRCh37 (hg19) VCF-style: chr3-193349442-TC-T.
Other names: c.298del, p.Leu100fs (NM_001354663.2); c.295del, p.Leu99fs (NM_001354664.2); c.667del, p.Leu223fs (NM_015560.3); c.559del, p.Leu187fs (NM_130831.3); c.613del, p.Leu205fs (NM_130832.3); c.670del, p.Leu224fs (NM_130833.3); c.721del, p.Leu241fs (NM_130834.3); c.724del, p.Leu242fs (NM_130835.3); and 1 more; short protein forms L100fs, L187fs, L205fs, L223fs, L224fs, L241fs, L242fs, L260fs.
Identifiers: ClinVar variation 1074910 (VCV001074910.5), dbSNP rs2108979504, ClinGen allele CA2499216634.

ClinVar aggregate classification (germline): Pathogenic (1 of 4 stars; one submission).

Submission:

Labcorp Genetics (formerly Invitae), Labcorp
Classification: Pathogenic. Last evaluated: 2022-12-31. Review status: criteria provided, single submitter. Criteria: Invitae Variant Classification Sherloc (09022015). Collection method: clinical testing. Allele origin: germline.
Comment: For these reasons, this variant has been classified as Pathogenic. ClinVar contains an entry for this variant (Variation ID: 1074910). This variant has not been reported in the literature in individuals affected with OPA1-related conditions. This variant is not present in population databases (gnomAD no frequency). This sequence change creates a premature translational stop signal (p.Leu223Cysfs*5) in the OPA1 gene. It is expected to result in an absent or disrupted protein product. Loss-of-function variants in OPA1 are known to be pathogenic (PMID: 11440988, 20157015, 20952381, 25012220).

Literature cited by the submitters: PubMed 11440988; PubMed 20157015; PubMed 20952381; PubMed 25012220.